The following is an entry in ClinVar:

NM_004963.4(GUCY2C):c.2329_2330dup (p.Leu778fs)

Gene: GUCY2C (guanylate cyclase 2C; minus strand). Cytogenetic location: 12p12.3.
Variant type: Duplication.
Coding change: c.2329_2330dup on transcript NM_004963.4 (MANE Select); coding-DNA positions 2329 to 2330, 2 bases duplicated (CA; older notation c.2329_2330dupCA).
Protein change: p.Leu778fs; shifts the reading frame from leucine 778.
Molecular consequence: frameshift variant.
Genome position (GRCh38, 1-based): chr12:14,625,835-14,625,836, TG duplicated on the plus strand (CA on the coding strand, the reverse complement: GUCY2C is on the minus strand); duplicating any 2 consecutive bases within chr12:14,625,835-14,625,837 gives the same sequence; the c. name uses the placement nearest the transcript's 3' end. VCF-style (leftmost placement, unchanged base first): chr12-14625834-A-ATG. GRCh37 (hg19) VCF-style: chr12-14778768-A-ATG.
Other names: short protein forms L778fs.
Identifiers: ClinVar variation 4850165 (VCV004850165.1).

ClinVar aggregate classification (germline): Likely pathogenic (1 of 4 stars; one submission).

Conditions:
Intestinal obstruction in the newborn due to guanylate cyclase 2C deficiency. Identifiers: Orphanet 314376, MedGen C4518781, MONDO:0013843, OMIM 614665.

Submission:

Variantyx, Inc.
Classification: Likely pathogenic for Intestinal obstruction in the newborn due to guanylate cyclase 2C deficiency. Last evaluated: 2025-05-26. Review status: criteria provided, single submitter. Criteria: Variantyx Assertion Criteria 2022. Collection method: clinical testing. Allele origin: germline. Inheritance: Autosomal recessive inheritance. Affected: no.
Comment: This is a frameshift variant in the GUCY2C gene (OMIM: 601330). Pathogenic variants in this gene have been associated with autosomal recessive Meconium ileus. This variant introduces a premature termination codon in exon 21 out of 27 and is expected to result in loss of function, which is a known disease mechanism for GUCY2C in this disorder (PVS1) (PMID:22521417). This variant is absent from control populations (PM2) and it has not been reported in individuals with GUCY2C-related disorders in the databases available for review. Based on the current evidence, this variant is classified as likely pathogenic for autosomal recessive Meconium ileus.No other variant of clinical significance was identified in the GUCY2C gene.

Literature cited by the submitters: PubMed 22521417.